The following is an entry in ClinVar:

ClinVar aggregate classification (germline): Uncertain significance (1 of 4 stars; one submission).

Conditions:
LAMA2-related muscular dystrophy (LAMA2-RD). Also called: Laminin alpha 2-related dystrophy. Identifiers: MedGen C5679788, MONDO:0100228.

Allele frequency attached by ClinVar (database versions not stated): gnomAD exomes below 0.00001; TOPMed 0.00005.
gnomAD v4.1: 2 of 1,613,746 alleles (0.00012%); highest among the groups gnomAD compares: Admixed American, 0.0033%; no homozygotes.

Submission:

Labcorp Genetics (formerly Invitae), Labcorp
Classification: Uncertain significance for LAMA2-related muscular dystrophy. Last evaluated: 2022-11-01. Review status: criteria provided, single submitter. Criteria: Invitae Variant Classification Sherloc (09022015). Collection method: clinical testing. Allele origin: germline.
Comment: This sequence change replaces valine, which is neutral and non-polar, with alanine, which is neutral and non-polar, at codon 2628 of the LAMA2 protein (p.Val2628Ala). This variant is present in population databases (no rsID available, gnomAD 0.006%). This variant has not been reported in the literature in individuals affected with LAMA2-related conditions. Advanced modeling of protein sequence and biophysical properties (such as structural, functional, and spatial information, amino acid conservation, physicochemical variation, residue mobility, and thermodynamic stability) performed at Invitae indicates that this missense variant is not expected to disrupt LAMA2 protein function. Algorithms developed to predict the effect of sequence changes on RNA splicing suggest that this variant may create or strengthen a splice site. In summary, the available evidence is currently insufficient to determine the role of this variant in disease. Therefore, it has been classified as a Variant of Uncertain Significance.

NM_000426.4(LAMA2):c.7883T>C (p.Val2628Ala)

Gene: LAMA2 (laminin subunit alpha 2; plus strand). Cytogenetic location: 6q22.33.
Variant type: single nucleotide variant.
Coding change: c.7883T>C on transcript NM_000426.4 (MANE Select); coding-DNA position 7883, T replaced by C.
Protein change: p.Val2628Ala; replaces valine 2628 with alanine.
Molecular consequence: missense variant.
Genome position (GRCh38, 1-based): chr6:129,486,607, T>C. VCF-style: chr6-129486607-T-C. GRCh37 (hg19) VCF-style: chr6-129807752-T-C.
Other names: c.7871T>C, p.Val2624Ala (NM_001079823.2); short protein forms V2624A, V2628A.
Identifiers: ClinVar variation 2165164 (VCV002165164.1), dbSNP rs1226815748, ClinGen allele CA365629512.